The following is an entry in ClinVar:

NM_001129.5(AEBP1):c.1455G>A (p.Trp485Ter)

Gene: AEBP1 (AE binding protein 1; plus strand). Cytogenetic location: 7p13.
Variant type: single nucleotide variant.
Coding change: c.1455G>A on transcript NM_001129.5 (MANE Select); coding-DNA position 1455, G replaced by A.
Protein change: p.Trp485Ter; replaces tryptophan 485 with a stop codon.
Molecular consequence: nonsense.
Genome position (GRCh38, 1-based): chr7:44,110,779, G>A. VCF-style: chr7-44110779-G-A. GRCh37 (hg19) VCF-style: chr7-44150378-G-A.
Other names: short protein forms W485*.
Identifiers: ClinVar variation 2571277 (VCV002571277.27), dbSNP rs2484351488, ClinGen allele CA367364145.

ClinVar aggregate classification (germline): Pathogenic (1 of 4 stars; one submission).

Submission:

CeGaT Center for Human Genetics Tuebingen
Classification: Pathogenic. Last evaluated: 2023-05-01. Review status: criteria provided, single submitter. Criteria: CeGaT Center For Human Genetics Tuebingen Variant Classification Criteria Version 2. Collection method: clinical testing. Allele origin: germline. Affected: yes. Observed: 1 variant allele.
Comment: AEBP1: PVS1, PM2